The following is an entry in ClinVar:

NM_001291415.2(KDM6A):c.335C>G (p.Ala112Gly)

Gene: KDM6A (lysine demethylase 6A; plus strand). Cytogenetic location: Xp11.3.
Variant type: single nucleotide variant.
Coding change: c.335C>G on transcript NM_001291415.2 (MANE Select); coding-DNA position 335, C replaced by G.
Protein change: p.Ala112Gly; replaces alanine 112 with glycine.
Molecular consequence: missense variant. On other transcripts: 5 prime UTR variant (1), non-coding transcript variant (1).
Genome position (GRCh38, 1-based): chrX:44,974,666, C>G. VCF-style: chrX-44974666-C-G. GRCh37 (hg19) VCF-style: chrX-44833911-C-G.
Other names: c.335C>G, p.Ala112Gly (NM_001291416.2, NM_001291417.2, NM_001291418.2 and 9 more transcripts); c.-298C>G (NM_001291421.2); short protein forms A112G.
Identifiers: ClinVar variation 5018704 (VCV005018704.2).

ClinVar aggregate classification (germline): Uncertain significance (1 of 4 stars; one submission).

Conditions:
Kabuki syndrome 2 (KABUK2). Also called: KDM6A-Related Kabuki Syndrome. Identifiers: Orphanet 2322, MedGen C3275495, MONDO:0010465, OMIM 300867.

Submission:

Juno Genomics, Hangzhou Juno Genomics, Inc
Classification: Uncertain significance for Kabuki syndrome 2. Review status: criteria provided, single submitter. Criteria: ACMG Guidelines, 2015. Collection method: clinical testing. Allele origin: germline.
Comment: Absent from controls (or at extremely low frequency if recessive) in Genome Aggregation Database.